The following is an entry in ClinVar:

ClinVar aggregate classification (germline): Likely benign. Review status: criteria provided, multiple submitters, no conflicts (2 of 4 stars). 4 submissions from 4 submitters: Likely benign (4). Last evaluated 2025-12-13.

Conditions:
Catecholaminergic polymorphic ventricular tachycardia 1. Also called: VENTRICULAR TACHYCARDIA, STRESS-INDUCED POLYMORPHIC 1; VENTRICULAR TACHYCARDIA, CATECHOLAMINERGIC POLYMORPHIC, 1, WITH OR WITHOUT ATRIAL DYSFUNCTION AND/OR DILATED CARDIOMYOPATHY; RYR2-Related Catecholaminergic Polymorphic Ventricular Tachycardia. Identifiers: Orphanet 3286, MedGen C1631597, MONDO:0011484, OMIM 604772.

Submissions (4):

Labcorp Genetics (formerly Invitae), Labcorp
Classification: Likely benign for Catecholaminergic polymorphic ventricular tachycardia 1. Last evaluated: 2025-12-13. Review status: criteria provided, single submitter. Criteria: Invitae Variant Classification Sherloc (09022015). Collection method: clinical testing. Allele origin: germline.

Mayo Clinic Laboratories, Mayo Clinic
Classification: Likely benign. Last evaluated: 2024-12-31. Review status: criteria provided, single submitter. Criteria: ACMG Guidelines, 2015. Collection method: clinical testing. Allele origin: germline. Observed: 2 variant alleles.
Comment: BP4, BP7

Women's Health and Genetics/Laboratory Corporation of America, LabCorp
Classification: Likely benign. Last evaluated: 2024-11-19. Review status: criteria provided, single submitter. Criteria: LabCorp Variant Classification Summary - May 2015. Collection method: clinical testing. Allele origin: germline.
Comment: Variant summary: RYR2 c.13782+10_13782+13delTAAG alters a non-conserved nucleotide located at a position not widely known to affect splicing. Consensus agreement among computation tools predict no significant impact on normal splicing. However, these predictions have yet to be confirmed by functional studies. The variant allele was found at a frequency of 2e-05 in 1587152 control chromosomes. This frequency is not significantly higher than estimated for a pathogenic variant in RYR2 causing Catecholaminergic Polymorphic Ventricular Tachycardia (2e-05 vs 3.4e-05), allowing no conclusion about variant significance. To our knowledge, no occurrence of c.13782+10_13782+13delTAAG in individuals affected with Catecholaminergic Polymorphic Ventricular Tachycardia and no experimental evidence demonstrating its impact on protein function have been reported. ClinVar contains an entry for this variant (Variation ID: 463569). Based on the evidence outlined above, the variant was classified as likely benign.

GeneDx
Classification: Likely benign. Last evaluated: 2017-04-18. Review status: criteria provided, single submitter. Criteria: GeneDx Variant Classification (06012015). Collection method: clinical testing. Allele origin: germline. Affected: yes.
Comment: This variant is considered likely benign or benign based on one or more of the following criteria: it is a conservative change, it occurs at a poorly conserved position in the protein, it is predicted to be benign by multiple in silico algorithms, and/or has population frequency not consistent with disease.

NM_001035.3(RYR2):c.13782+10_13782+13del

Gene: RYR2 (ryanodine receptor 2; plus strand). Cytogenetic location: 1q43.
Variant type: Deletion.
Coding change: c.13782+10_13782+13del on transcript NM_001035.3 (MANE Select); bases 10 to 13 of the intron after coding-DNA position 13782, 4 bases deleted (TAAG; older notation c.13782+10_13782+13delTAAG).
Molecular consequence: intron variant.
Genome position (GRCh38, 1-based): chr1:237,792,333-237,792,336, TAAG deleted; deleting any 4 consecutive bases within chr1:237,792,331-237,792,336 gives the same sequence; the c. name uses the placement nearest the transcript's 3' end. VCF-style (leftmost placement, unchanged base first): chr1-237792330-TAGTA-T. GRCh37 (hg19) VCF-style: chr1-237955630-TAGTA-T.
Other names: p.?; c.13782+10_13782+13delTAAG (NM_001035.2, NM_001035.3).
Identifiers: ClinVar variation 463569 (VCV000463569.14), dbSNP rs775418111, ClinGen allele CA085489.
Genomic context (GRCh38, chr1:237,792,330, plus strand): 5'-ATTCTGCACACGGTCATTTCTTTCTTCTGCATCATTGGATACTACTGCTTGAAAGTAAGA[TAGTA>T]AGGCACCAAGGTACCTGTGTGTGTGTGTGTGTGTGTGTGTGTGTGTGCGTGTGTGTGTGT-3'